The following is an entry in ClinVar:

ClinVar aggregate classification (germline): Pathogenic. Review status: criteria provided, multiple submitters, no conflicts (2 of 4 stars). 4 submissions from 4 submitters: Pathogenic (3). 1 of the submissions does not count toward it. Last evaluated 2025-07-27.

Conditions:
ALG12-congenital disorder of glycosylation (CDG1G). Also called: Congenital disorder of glycosylation, type Ig; CDG Ig; ALG12-CDG. Identifiers: Orphanet 79324, MedGen C2931001, MONDO:0011783, OMIM 607143.

Allele frequency attached by ClinVar (database versions not stated): ExAC 0.00001; gnomAD 0.00001; gnomAD exomes 0.00001 and 0.00002; TOPMed 0.00002.

Submissions (4):

Labcorp Genetics (formerly Invitae), Labcorp
Classification: Pathogenic for ALG12-congenital disorder of glycosylation. Last evaluated: 2025-07-27. Review status: criteria provided, single submitter. Criteria: Invitae Variant Classification Sherloc (09022015). Collection method: clinical testing. Allele origin: germline.
Comment: This sequence change creates a premature translational stop signal (p.Gln40Argfs*34) in the ALG12 gene. It is expected to result in an absent or disrupted protein product. Loss-of-function variants in ALG12 are known to be pathogenic (PMID: 15639192, 31481313). This variant is present in population databases (rs761221480, gnomAD 0.01%). This premature translational stop signal has been observed in individual(s) with clinical features of ALG12-congenital disorder of glycosylation (PMID: 25019053). ClinVar contains an entry for this variant (Variation ID: 242855). For these reasons, this variant has been classified as Pathogenic.

GeneDx
Classification: Pathogenic. Last evaluated: 2025-04-17. Review status: criteria provided, single submitter. Criteria: GeneDx Variant Classification Process June 2021. Collection method: clinical testing. Allele origin: germline. Affected: yes.
Comment: Frameshift variant predicted to result in protein truncation or nonsense mediated decay in a gene for which loss of function is a known mechanism of disease; Not observed at significant frequency in large population cohorts (gnomAD); This variant is associated with the following publications: (PMID: 31529350, 31481313, 34441372, 25019053)

Lupski Lab, Baylor-Hopkins CMG, Baylor College of Medicine
Classification: Pathogenic for ALG12-congenital disorder of glycosylation. Last evaluated: 2014-04-01. Review status: criteria provided, single submitter. Criteria: Murali et al. (Mol Genet Metab Rep. 2014). Collection method: clinical testing. Allele origin: germline. Inheritance: Autosomal recessive inheritance. Affected: yes. Observed: 1 variant allele, 1 compound heterozygote.

OMIM
Classification: Pathogenic for CONGENITAL DISORDER OF GLYCOSYLATION, TYPE Ig. Last evaluated: 2020-05-21. Review status: no assertion criteria provided. Collection method: literature only. Allele origin: germline. Not counted in ClinVar's aggregate classification.

Literature cited by the submitters: PubMed 15639192 (cited by Labcorp Genetics (formerly Invitae), Labcorp); PubMed 31481313 (cited by Labcorp Genetics (formerly Invitae), Labcorp); PubMed 25019053 (cited by Labcorp Genetics (formerly Invitae), Labcorp and OMIM).

NM_024105.4(ALG12):c.117del (p.Gln40fs)

Gene: ALG12 (ALG12 alpha-1,6-mannosyltransferase; minus strand). Cytogenetic location: 22q13.33.
Variant type: Deletion.
Coding change: c.117del on transcript NM_024105.4 (MANE Select); coding-DNA position 117, one base deleted (G; older notation c.117delG).
Protein change: p.Gln40fs; shifts the reading frame from glutamine 40.
Molecular consequence: frameshift variant.
Genome position (GRCh38, 1-based): chr22:49,913,649, C deleted on the plus strand (G on the coding strand, the reverse complement: ALG12 is on the minus strand). VCF-style (leftmost placement, unchanged base first): chr22-49913648-GC-G. GRCh37 (hg19) VCF-style: chr22-50307296-GC-G.
Other names: c.117delG (NM_024105.3); short protein forms Q40fs.
Identifiers: ClinVar variation 242855 (VCV000242855.11), dbSNP rs761221480, ClinGen allele CA10300734.